The following is an entry in ClinVar:

ClinVar aggregate classification (germline): Uncertain significance (1 of 4 stars; one submission).

Allele frequency attached by ClinVar (database versions not stated): ExAC 0.00001.
gnomAD v4.1: 2 of 1,614,086 alleles (0.00012%); highest among the groups gnomAD compares: East Asian, 0.0045%; no homozygotes.

Submission:

Ambry Genetics
Classification: Uncertain significance. Last evaluated: 2022-12-31. Review status: criteria provided, single submitter. Criteria: Ambry Variant Classification Scheme 2023. Collection method: clinical testing. Allele origin: germline.
Comment: The p.P901R variant (also known as c.2702C>G), located in coding exon 13 of the NPAT gene, results from a C to G substitution at nucleotide position 2702. The proline at codon 901 is replaced by arginine, an amino acid with dissimilar properties. This amino acid position is conserved. In addition, this alteration is predicted to be tolerated by in silico analysis. Since supporting evidence is limited at this time, the clinical significance of this alteration remains unclear.

NM_002519.3(NPAT):c.2702C>G (p.Pro901Arg)

Gene: NPAT (nuclear protein, coactivator of histone transcription; minus strand). Cytogenetic location: 11q22.3.
Variant type: single nucleotide variant.
Coding change: c.2702C>G on transcript NM_002519.3 (MANE Select); coding-DNA position 2702, C replaced by G.
Protein change: p.Pro901Arg; replaces proline 901 with arginine.
Molecular consequence: missense variant.
Genome position (GRCh38, 1-based): chr11:108,172,282, G>C on the plus strand (C>G on the coding strand, the complement: NPAT is on the minus strand). VCF-style: chr11-108172282-G-C. GRCh37 (hg19) VCF-style: chr11-108043009-G-C.
Other names: c.2702C>G, p.Pro901Arg (NM_001321307.1); short protein forms P901R.
Identifiers: ClinVar variation 2453767 (VCV002453767.2), dbSNP rs758152287, ClinGen allele CA6263778.
Genomic context (GRCh38, chr11:108,172,282, plus strand): 5'-GCTTGGTTGACAGCAAATACACTGTTTGACCTTGGTGGTGTCTGTAACTGAGGTGGTAGA[G>C]GTTGAGCAGTCATAGGTGCAGAATTTCCAGGCAACACCACTACATTAGACTGACTTACAG-3'
Protein context (NP_002510.2, residues 891-911): PGNSAPMTAQ[Pro901Arg]LPPQLQTPPR